The following is an entry in ClinVar:

ClinVar aggregate classification (germline): Benign. Review status: criteria provided, multiple submitters, no conflicts (2 of 4 stars). 5 submissions from 5 submitters: Benign (5). Last evaluated 2022-03-10.

Conditions:
Deficiency of acetyl-CoA acetyltransferase. Also called: Beta-ketothiolase deficiency; 3-KETOTHIOLASE DEFICIENCY; 3-OXOTHIOLASE DEFICIENCY; MITOCHONDRIAL ACETOACETYL-CoA THIOLASE DEFICIENCY. Identifiers: Orphanet 134, MedGen C1536500, MONDO:0008760, OMIM 203750. Disease mechanism: loss of function.

Allele frequency attached by ClinVar (database versions not stated): 1000 Genomes Project 0.09545; 1000 Genomes Project 30x 0.09697; ESP Exome Variant Server 0.12958; TOPMed 0.13022.
gnomAD v4.1: 256,119 of 1,549,518 alleles (17%); highest among the groups gnomAD compares: Non-Finnish European, 18%; 22,130 homozygotes.

Submissions (5):

Mayo Clinic Laboratories, Mayo Clinic
Classification: Benign. Last evaluated: 2022-03-10. Review status: criteria provided, single submitter. Criteria: ACMG Guidelines, 2015. Collection method: clinical testing. Allele origin: germline. Observed: 22 variant alleles.

Genome-Nilou Lab
Classification: Benign for Deficiency of acetyl-CoA acetyltransferase. Last evaluated: 2021-07-01. Review status: criteria provided, single submitter. Criteria: ACMG Guidelines, 2015. Collection method: clinical testing. Allele origin: germline. Affected: no.

Illumina Laboratory Services, Illumina
Classification: Benign for Deficiency of acetyl-CoA acetyltransferase. Last evaluated: 2018-01-12. Review status: criteria provided, single submitter. Criteria: ICSL Variant Classification Criteria 13 December 2019. Collection method: clinical testing. Allele origin: germline.
Comment: This variant was observed in the ICSL laboratory as part of a predisposition screen in an ostensibly healthy population. It had not been previously curated by ICSL or reported in the Human Gene Mutation Database (HGMD: prior to June 1st, 2018), and was therefore a candidate for classification through an automated scoring system. Utilizing variant allele frequency, disease prevalence and penetrance estimates, and inheritance mode, an automated score was calculated to assess if this variant is too frequent to cause the disease. Based on the score and internal cut-off values, a variant classified as benign is not then subjected to further curation. The score for this variant resulted in a classification of benign for this disease.

GeneDx
Classification: Benign. Last evaluated: 2015-03-03. Review status: criteria provided, single submitter. Criteria: GeneDx Variant Classification Process June 2021. Collection method: clinical testing. Allele origin: germline. Affected: yes.

Breakthrough Genomics
Classification: Benign. Review status: criteria provided, single submitter. Criteria: ACMG Guidelines, 2015. Collection method: not provided. Allele origin: germline. Inheritance: Autosomal recessive inheritance. Affected: yes.

NM_000019.4(ACAT1):c.-22C>G

Gene: ACAT1 (acetyl-CoA acetyltransferase 1; plus strand). Cytogenetic location: 11q22.3.
Variant type: single nucleotide variant.
Coding change: c.-22C>G on transcript NM_000019.4 (MANE Select); 22 bases upstream of the start codon, C replaced by G.
Molecular consequence: 5 prime UTR variant.
Genome position (GRCh38, 1-based): chr11:108,121,585, C>G. VCF-style: chr11-108121585-C-G. GRCh37 (hg19) VCF-style: chr11-107992312-C-G.
Other names: c.-22C>G (LRG_1400t1).
Identifiers: ClinVar variation 302195 (VCV000302195.11), dbSNP rs3741054, ClinGen allele CA6262970.